The following is an entry in ClinVar:

NM_004958.4(MTOR):c.6761G>A (p.Arg2254Lys)

Gene: MTOR (mechanistic target of rapamycin kinase; minus strand). Cytogenetic location: 1p36.22.
Variant type: single nucleotide variant.
Coding change: c.6761G>A on transcript NM_004958.4 (MANE Select); coding-DNA position 6761, G replaced by A.
Protein change: p.Arg2254Lys; replaces arginine 2254 with lysine.
Molecular consequence: missense variant.
Genome position (GRCh38, 1-based): chr1:11,122,028, C>T on the plus strand (G>A on the coding strand, the complement: MTOR is on the minus strand). VCF-style: chr1-11122028-C-T. GRCh37 (hg19) VCF-style: chr1-11182085-C-T.
Other names: c.6761G>A (NM_004958.3); short protein forms R2254K.
Identifiers: ClinVar variation 1013682 (VCV001013682.10), dbSNP rs1642555562, ClinGen allele CA338385926.

ClinVar aggregate classification (germline): Conflicting classifications of pathogenicity. Review status: criteria provided, conflicting classifications (1 of 4 stars). 2 submissions from 2 submitters: Uncertain significance (1); Benign (1). Last evaluated 2026-03-17.

Submissions (2):

GeneDx
Classification: Uncertain significance. Last evaluated: 2026-03-17. Review status: criteria provided, single submitter. Criteria: GeneDx Variant Classification Process June 2021. Collection method: clinical testing. Allele origin: germline.
Comment: Not observed at significant frequency in large population cohorts (gnomAD); In silico analysis supports that this missense variant has a deleterious effect on protein structure/function; Has not been previously published as pathogenic or benign to our knowledge

Labcorp Genetics (formerly Invitae), Labcorp
Classification: Benign. Last evaluated: 2023-10-03. Review status: criteria provided, single submitter. Criteria: Invitae Variant Classification Sherloc (09022015). Collection method: clinical testing. Allele origin: germline.